The following is an entry in ClinVar:

NM_000392.5(ABCC2):c.3258+1del

Gene: ABCC2 (ATP binding cassette subfamily C member 2; plus strand). Cytogenetic location: 10q24.2.
Variant type: Deletion.
Coding change: c.3258+1del on transcript NM_000392.5 (MANE Select); the canonical splice donor site of the intron after coding-DNA position 3258, one base deleted (G; older notation c.3258+1delG).
Molecular consequence: splice donor variant.
Genome position (GRCh38, 1-based): chr10:99,832,132, G deleted. VCF-style (leftmost placement, unchanged base first): chr10-99832131-CG-C. GRCh37 (hg19) VCF-style: chr10-101591888-CG-C.
Identifiers: ClinVar variation 2796269 (VCV002796269.3), dbSNP rs1314637261, ClinGen allele CA670632207.

ClinVar aggregate classification (germline): Likely pathogenic (1 of 4 stars; one submission).

Allele frequency attached by ClinVar (database versions not stated): TOPMed below 0.00001.

Submission:

Labcorp Genetics (formerly Invitae), Labcorp
Classification: Likely pathogenic. Last evaluated: 2023-09-03. Review status: criteria provided, single submitter. Criteria: Invitae Variant Classification Sherloc (09022015). Collection method: clinical testing. Allele origin: germline.
Comment: In summary, the currently available evidence indicates that the variant is pathogenic, but additional data are needed to prove that conclusively. Therefore, this variant has been classified as Likely Pathogenic. Algorithms developed to predict the effect of sequence changes on RNA splicing suggest that this variant may disrupt the consensus splice site. This variant has not been reported in the literature in individuals affected with ABCC2-related conditions. This variant is not present in population databases (gnomAD no frequency). This sequence change affects a splice site in intron 23 of the ABCC2 gene. It is expected to disrupt RNA splicing. Variants that disrupt the donor or acceptor splice site typically lead to a loss of protein function (PMID: 16199547), and loss-of-function variants in ABCC2 are known to be pathogenic (PMID: 9185779, 16549534, 16952291).

Literature cited by the submitters: PubMed 16199547; PubMed 9185779; PubMed 16549534; PubMed 16952291.